The following is an entry in ClinVar:

ClinVar aggregate classification (germline): Conflicting classifications of pathogenicity. Review status: criteria provided, conflicting classifications (1 of 4 stars). 5 submissions from 5 submitters: Likely pathogenic (1); Uncertain significance (4). Last evaluated 2025-11-20.

Conditions:
Central core myopathy (CMYO1A). Also called: Central core disease; Myopathy, central fibrillar; CONGENITAL MYOPATHY 1A, AUTOSOMAL DOMINANT, WITH SUSCEPTIBILITY TO MALIGNANT HYPERTHERMIA. Identifiers: Orphanet 597, MedGen C5830701, MONDO:0007294, OMIM 117000.
Malignant hyperthermia, susceptibility to, 1 (MHS1). Also called: Anesthesia related hyperthermia; Malignant hyperpyrexia; Fulminating hyperpyrexia; Pharmacogenic myopathy; RYR1-Related Malignant Hyperthermia Susceptibility; Malignant hyperthermia suceptibility 1. Identifiers: Orphanet 423, MedGen C2930980, MONDO:0007783, OMIM 145600.
RYR1-related disorder. Also called: RYR1-related disorders; RYR1-related condition. Identifiers: MedGen CN239331.

Allele frequency attached by ClinVar (database versions not stated): ExAC 0.00001; gnomAD 0.00001; gnomAD exomes 0.00001; TOPMed 0.00001; 1000 Genomes Project 30x 0.00016; 1000 Genomes Project 0.00020.
gnomAD v4.1: 6 of 1,613,532 alleles (0.00037%); highest among the groups gnomAD compares: South Asian, 0.0011%; no homozygotes.

Submissions (5):

Greenwood Genetic Center Diagnostic Laboratories, Greenwood Genetic Center
Classification: Uncertain significance. Last evaluated: 2025-11-20. Review status: criteria provided, single submitter. Criteria: ACMG Guidelines, 2015. Collection method: clinical testing. Allele origin: germline. Affected: yes.
Comment: PM2, PP3

GeneDx
Classification: Likely pathogenic. Last evaluated: 2025-09-24. Review status: criteria provided, single submitter. Criteria: GeneDx Variant Classification Process June 2021. Collection method: clinical testing. Allele origin: germline. Affected: yes.
Comment: Intronic +5 splice site variant in a gene for which loss-of-function is a known mechanism of disease, and splice predictors support a deleterious effect; Not observed at a significant frequency in large population cohorts (gnomAD); Has not been previously published as pathogenic or benign to our knowledge

Labcorp Genetics (formerly Invitae), Labcorp
Classification: Uncertain significance for RYR1-related disorder. Last evaluated: 2025-07-23. Review status: criteria provided, single submitter. Criteria: Invitae Variant Classification Sherloc (09022015). Collection method: clinical testing. Allele origin: germline.
Comment: This sequence change falls in intron 25 of the RYR1 gene. It does not directly change the encoded amino acid sequence of the RYR1 protein. It affects a nucleotide within the consensus splice site. This variant is present in population databases (rs199691436, gnomAD 0.002%). This variant has not been reported in the literature in individuals affected with RYR1-related conditions. ClinVar contains an entry for this variant (Variation ID: 382493). Variants that disrupt the consensus splice site are a relatively common cause of aberrant splicing (PMID: 17576681, 9536098). Algorithms developed to predict the effect of sequence changes on RNA splicing suggest that this variant may disrupt the consensus splice site. In summary, the available evidence is currently insufficient to determine the role of this variant in disease. Therefore, it has been classified as a Variant of Uncertain Significance.

All of Us Research Program, National Institutes of Health
Classification: Uncertain significance for Malignant hyperthermia, susceptibility to, 1. Last evaluated: 2023-06-08. Review status: criteria provided, single submitter. Criteria: ACMG Guidelines, 2015. Collection method: clinical testing. Allele origin: germline. Inheritance: Autosomal dominant inheritance. Observed: 3 variant alleles, 3 heterozygotes.
Comment: This variant causes a G to A nucleotide substitution at the +5 position of intron 25 of the RYR1 gene. Splice site prediction tools are inconclusive regarding the impact of this variant on RNA splicing. To our knowledge, functional studies have not been reported for this variant. This variant has not been reported in individuals affected with autosomal dominant malignant hyperthermia in the literature, although it is associated with other phenotype(s) (ClinVar Variation ID: 382493). This variant has been identified in 2/249156 chromosomes in the general population by the Genome Aggregation Database (gnomAD). Due to insufficient evidence, this variant is classified as a Variant of Uncertain Significance for autosomal dominant malignant hyperthermia.

This study involves interpretation of variants in research participants for the purpose of population health screening. Participant phenotype was not available at the time of variant classification. Additional details can be found in publication PMID: 35346344, PMCID: PMC8962531

Department of Clinical Genetics, Copenhagen University Hospital, Rigshospitalet
Classification: Uncertain significance for Central core myopathy. Last evaluated: 2021-08-01. Review status: criteria provided, single submitter. Criteria: ACMG Guidelines, 2015. Collection method: clinical testing. Allele origin: inherited. Affected: yes.

Literature cited by the submitters: PubMed 17576681 (cited by Labcorp Genetics (formerly Invitae), Labcorp); PubMed 9536098 (cited by Labcorp Genetics (formerly Invitae), Labcorp).

NM_000540.3(RYR1):c.3381+5G>A

Gene: RYR1 (ryanodine receptor 1; plus strand). Cytogenetic location: 19q13.2.
Variant type: single nucleotide variant.
Coding change: c.3381+5G>A on transcript NM_000540.3 (MANE Select); 5 bases into the intron after coding-DNA position 3381, G replaced by A.
Molecular consequence: intron variant.
Genome position (GRCh38, 1-based): chr19:38,467,817, G>A. VCF-style: chr19-38467817-G-A. GRCh37 (hg19) VCF-style: chr19-38958457-G-A.
Other names: c.3381+5G>A (NM_001042723.2).
Identifiers: ClinVar variation 382493 (VCV000382493.14), dbSNP rs199691436, ClinGen allele CA064755.